The following is an entry in ClinVar:

NM_001267550.2(TTN):c.40426G>T (p.Val13476Phe)

Gene: TTN (titin; minus strand). Cytogenetic location: 2q31.2.
Variant type: single nucleotide variant.
Coding change: c.40426G>T on transcript NM_001267550.2 (MANE Select); coding-DNA position 40426, G replaced by T.
Protein change: p.Val13476Phe; replaces valine 13476 with phenylalanine.
Molecular consequence: missense variant. On other transcripts: intron variant (3).
Genome position (GRCh38, 1-based): chr2:178,644,599, C>A on the plus strand (G>T on the coding strand, the complement: TTN is on the minus strand). VCF-style: chr2-178644599-C-A. GRCh37 (hg19) VCF-style: chr2-179509326-C-A.
Other names: c.35503G>T, p.Val11835Phe (NM_001256850.1); c.32722G>T, p.Val10908Phe (NM_133378.4); c.13283-2282G>T (NM_003319.4); c.13859-2282G>T (NM_133437.4); c.13658-2282G>T (NM_133432.3); short protein forms V10908F, V11835F, V13476F.
Identifiers: ClinVar variation 2501500 (VCV002501500.1), dbSNP rs772382779, ClinGen allele CA1996490.

ClinVar aggregate classification (germline): Uncertain significance (1 of 4 stars; one submission).

Allele frequency attached by ClinVar (database versions not stated): gnomAD 0.00001; gnomAD exomes 0.00002; ExAC 0.00005.
gnomAD v4.1: 24 of 1,572,784 alleles (0.0015%); highest among the groups gnomAD compares: South Asian, 0.027%; no homozygotes.

Submission:

GeneDx
Classification: Uncertain significance. Last evaluated: 2022-10-30. Review status: criteria provided, single submitter. Criteria: GeneDx Variant Classification Process June 2021. Collection method: clinical testing. Allele origin: germline. Affected: yes.
Comment: Not observed at significant frequency in large population cohorts (gnomAD); Missense variant in a gene in which most reported pathogenic variants are truncating/loss of function; Has not been previously published as pathogenic or benign to our knowledge